The following is an entry in ClinVar:

ClinVar aggregate classification (germline): Pathogenic. Review status: criteria provided, multiple submitters, no conflicts (2 of 4 stars). 5 submissions from 5 submitters: Pathogenic (3). 2 of the submissions do not count toward it. Last evaluated 2026-01-12.

Conditions:
SLC12A3-related disorder. Also called: SLC12A3-related condition.
Familial hypokalemia-hypomagnesemia (GTLMNS). Also called: gitelman syndrome; POTASSIUM AND MAGNESIUM DEPLETION; HYPOMAGNESEMIA-HYPOKALEMIA, PRIMARY RENOTUBULAR, WITH HYPOCALCIURIA. Identifiers: Orphanet 358, MedGen C0268450, MONDO:0009904, OMIM 263800.

Allele frequency attached by ClinVar (database versions not stated): gnomAD exomes below 0.00001; ExAC 0.00001; gnomAD 0.00001.
gnomAD v4.1: 6 of 1,613,712 alleles (0.00037%); highest among the groups gnomAD compares: Non-Finnish European, 0.00051%; no homozygotes.

Submissions (5):

Women's Health and Genetics/Laboratory Corporation of America, LabCorp
Classification: Pathogenic for Familial hypokalemia-hypomagnesemia. Last evaluated: 2026-01-12. Review status: criteria provided, single submitter. Criteria: LabCorp Variant Classification Summary - May 2015. Collection method: clinical testing. Allele origin: germline.
Comment: Variant summary: SLC12A3 c.1261T>C (p.Cys421Arg) results in a non-conservative amino acid change in the encoded protein sequence. Algorithms developed to predict the effect of missense changes on protein structure and function all suggest that this variant is likely to be disruptive. The frequency data for this variant in gnomAD is considered unreliable, as metrics indicate poor data quality at this position. c.1261T>C has been observed in individual(s) affected with Gitelman syndrome (example: Simon_1996, internal data). These data indicate that the variant is likely to be associated with disease. A different variant affecting the same codon has been classified as likely pathogenic by our lab (c.1262G>A,p.Cys421Tyr), supporting the critical relevance of codon 421 to SLC12A3 protein function. The following publication has been ascertained in the context of this evaluation (PMID: 8528245). ClinVar contains an entry for this variant (Variation ID: 8585). Based on the evidence outlined above, the variant was classified as pathogenic.

Labcorp Genetics (formerly Invitae), Labcorp
Classification: Pathogenic. Last evaluated: 2025-12-31. Review status: criteria provided, single submitter. Criteria: Invitae Variant Classification Sherloc (09022015). Collection method: clinical testing. Allele origin: germline.
Comment: This sequence change replaces cysteine, which is neutral and slightly polar, with arginine, which is basic and polar, at codon 421 of the SLC12A3 protein (p.Cys421Arg). The frequency data for this variant in the population databases is considered unreliable, as metrics indicate poor data quality at this position in the gnomAD database. This missense change has been observed in individual(s) with clinical features consistent with Gitelman syndrome and/or Gitelman syndrome (PMID: 8528245; internal data). It has also been observed to segregate with disease in related individuals. ClinVar contains an entry for this variant (Variation ID: 8585). Invitae Evidence Modeling of protein sequence and biophysical properties (such as structural, functional, and spatial information, amino acid conservation, physicochemical variation, residue mobility, and thermodynamic stability) indicates that this missense variant is expected to disrupt SLC12A3 protein function with a positive predictive value of 95%. This variant disrupts the p.Cys421 amino acid residue in SLC12A3. Other variant(s) that disrupt this residue have been observed in individuals with SLC12A3-related conditions (PMID: 17699451, 21415153, 27454426, 27582097, 30596175), which suggests that this may be a clinically significant amino acid residue. For these reasons, this variant has been classified as Pathogenic.

Blueprint Genetics
Classification: Pathogenic for SLC12A3-related disorders. Last evaluated: 2024-05-04. Review status: criteria provided, single submitter. Criteria: ACMG Guidelines, 2015. Collection method: clinical testing. Allele origin: germline. Affected: yes. Observed: 1 variant allele.

Natera, Inc.
Classification: Pathogenic for Gitelman syndrome. Last evaluated: 2020-03-15. Review status: no assertion criteria provided. Collection method: clinical testing. Allele origin: germline. Not counted in ClinVar's aggregate classification.

OMIM
Classification: Pathogenic for GITELMAN SYNDROME. Last evaluated: 1996-01-01. Review status: no assertion criteria provided. Collection method: literature only. Allele origin: germline. Not counted in ClinVar's aggregate classification.

Literature cited by the submitters: PubMed 8528245 (cited by 3 submitters); PubMed 17699451 (cited by Labcorp Genetics (formerly Invitae), Labcorp); PubMed 21415153 (cited by Labcorp Genetics (formerly Invitae), Labcorp); PubMed 27454426 (cited by Labcorp Genetics (formerly Invitae), Labcorp); PubMed 27582097 (cited by Labcorp Genetics (formerly Invitae), Labcorp); PubMed 30596175 (cited by Labcorp Genetics (formerly Invitae), Labcorp).

NM_001126108.2(SLC12A3):c.1261T>C (p.Cys421Arg)

Gene: SLC12A3 (solute carrier family 12 member 3; plus strand). Cytogenetic location: 16q13.
Variant type: single nucleotide variant.
Coding change: c.1261T>C on transcript NM_001126108.2 (MANE Select); coding-DNA position 1261, T replaced by C.
Protein change: p.Cys421Arg; replaces cysteine 421 with arginine.
Molecular consequence: missense variant.
Genome position (GRCh38, 1-based): chr16:56,879,153, T>C. VCF-style: chr16-56879153-T-C. GRCh37 (hg19) VCF-style: chr16-56913065-T-C.
Other names: c.1261T>C, p.Cys421Arg (NM_000339.3); c.1258T>C, p.Cys420Arg (NM_001126107.2); short protein forms C421R, C420R.
Identifiers: ClinVar variation 8585 (VCV000008585.12), dbSNP rs28936387, ClinGen allele CA119766.